The following is an entry in ClinVar:

NM_001130144.3(LTBP3):c.467C>G (p.Pro156Arg)

Gene: LTBP3 (latent transforming growth factor beta binding protein 3; minus strand). Cytogenetic location: 11q13.1.
Variant type: single nucleotide variant.
Coding change: c.467C>G on transcript NM_001130144.3 (MANE Select); coding-DNA position 467, C replaced by G.
Protein change: p.Pro156Arg; replaces proline 156 with arginine.
Molecular consequence: missense variant.
Genome position (GRCh38, 1-based): chr11:65,554,245, G>C on the plus strand (C>G on the coding strand, the complement: LTBP3 is on the minus strand). VCF-style: chr11-65554245-G-C. GRCh37 (hg19) VCF-style: chr11-65321716-G-C.
Other names: c.116C>G, p.Pro39Arg (NM_001164266.1); c.467C>G, p.Pro156Arg (NM_021070.4); c.467C>G (NM_001130144.2); short protein forms P39R, P156R.
Identifiers: ClinVar variation 1365993 (VCV001365993.8), dbSNP rs759947049, ClinGen allele CA6101227.

ClinVar aggregate classification (germline): Uncertain significance. Review status: criteria provided, multiple submitters, no conflicts (2 of 4 stars). 2 submissions from 2 submitters: Uncertain significance (2). Last evaluated 2025-05-07.

Conditions:
Brachyolmia-amelogenesis imperfecta syndrome. Also called: Tooth agenesis, selective, 6; Dental anomalies and short stature; PLATYSPONDYLY WITH AMELOGENESIS IMPERFECTA. Identifiers: Orphanet 2899, MedGen C1832594, MONDO:0011018, OMIM 601216. Disease mechanism: loss of function.
Inborn genetic diseases. Identifiers: MedGen C0950123, MeSH D030342.

Allele frequency attached by ClinVar (database versions not stated): gnomAD 0.00001 and 0.00002; ExAC 0.00004; TOPMed 0.00004; gnomAD exomes 0.00006.
gnomAD v4.1: 15 of 1,608,546 alleles (0.00093%); highest among the groups gnomAD compares: East Asian, 0.031%; no homozygotes.

Submissions (2):

Labcorp Genetics (formerly Invitae), Labcorp
Classification: Uncertain significance for Brachyolmia-amelogenesis imperfecta syndrome. Last evaluated: 2025-05-07. Review status: criteria provided, single submitter. Criteria: Invitae Variant Classification Sherloc (09022015). Collection method: clinical testing. Allele origin: germline.
Comment: This sequence change replaces proline, which is neutral and non-polar, with arginine, which is basic and polar, at codon 156 of the LTBP3 protein (p.Pro156Arg). This variant is present in population databases (rs759947049, gnomAD 0.09%). This variant has not been reported in the literature in individuals affected with LTBP3-related conditions. ClinVar contains an entry for this variant (Variation ID: 1365993). An algorithm developed to predict the effect of missense changes on protein structure and function (PolyPhen-2) suggests that this variant is likely to be disruptive. In summary, the available evidence is currently insufficient to determine the role of this variant in disease. Therefore, it has been classified as a Variant of Uncertain Significance.

Ambry Genetics
Classification: Uncertain significance for Inborn genetic diseases. Last evaluated: 2023-06-29. Review status: criteria provided, single submitter. Criteria: Ambry Variant Classification Scheme 2023. Collection method: clinical testing. Allele origin: germline.